The following is an entry in ClinVar:

ClinVar aggregate classification (germline): Uncertain significance (1 of 4 stars; one submission).

Conditions:
Hereditary cancer-predisposing syndrome. Also called: Neoplastic Syndromes, Hereditary; Tumor predisposition; Hereditary Cancer Syndrome; Hereditary neoplastic syndrome. Identifiers: Orphanet 140162, MedGen C0027672, MeSH D009386, MONDO:0015356.

Submission:

Ambry Genetics
Classification: Uncertain significance for Hereditary cancer-predisposing syndrome. Last evaluated: 2025-12-24. Review status: criteria provided, single submitter. Criteria: Ambry Variant Classification Scheme 2023. Collection method: clinical testing. Allele origin: germline.
Comment: The p.H950P variant (also known as c.2849A>C), located in coding exon 17 of the PTCH1 gene, results from an A to C substitution at nucleotide position 2849. The histidine at codon 950 is replaced by proline, an amino acid with similar properties. This amino acid position is conserved. In addition, this alteration is predicted to be deleterious by in silico analysis. Based on the available evidence, the clinical significance of this variant remains unclear.

NM_000264.5(PTCH1):c.2849A>C (p.His950Pro)

Gene: PTCH1 (patched 1; minus strand). Cytogenetic location: 9q22.32.
Variant type: single nucleotide variant.
Coding change: c.2849A>C on transcript NM_000264.5 (MANE Select); coding-DNA position 2849, A replaced by C.
Protein change: p.His950Pro; replaces histidine 950 with proline.
Molecular consequence: missense variant. On other transcripts: non-coding transcript variant (1).
Genome position (GRCh38, 1-based): chr9:95,459,638, T>G on the plus strand (A>C on the coding strand, the complement: PTCH1 is on the minus strand). VCF-style: chr9-95459638-T-G. GRCh37 (hg19) VCF-style: chr9-98221920-T-G.
Other names: c.2651A>C, p.His884Pro (NM_001083602.3); c.2846A>C, p.His949Pro (NM_001083603.3); c.2396A>C, p.His799Pro (NM_001083604.3, NM_001083605.3, NM_001083606.3 and 1 more transcripts); c.2693A>C, p.His898Pro (NM_001354918.2); short protein forms H898P, H949P, H799P, H884P, H950P.
Identifiers: ClinVar variation 4824875 (VCV004824875.1).